The following is an entry in ClinVar:

ClinVar aggregate classification (germline): Likely pathogenic. Review status: criteria provided, single submitter (1 of 4 stars). 2 submissions from 2 submitters: Likely pathogenic (1). 1 of the submissions does not count toward it. Last evaluated 2025-11-07.

Conditions:
Biotinidase deficiency. Also called: BTD deficiency; Late-onset biotin-responsive multiple carboxylase deficiency; Biotin deficiency. Identifiers: Orphanet 79241, MedGen C0220754, MONDO:0009665, OMIM 253260.

Allele frequency attached by ClinVar (database versions not stated): gnomAD exomes below 0.00001.

Submissions (2):

Women's Health and Genetics/Laboratory Corporation of America, LabCorp
Classification: Likely pathogenic for Biotinidase deficiency. Last evaluated: 2025-11-07. Review status: criteria provided, single submitter. Criteria: LabCorp Variant Classification Summary - May 2015. Collection method: clinical testing. Allele origin: germline.
Comment: Variant summary: BTD c.874G>A (p.Gly292Ser) results in a non-conservative amino acid change in the encoded protein sequence. Algorithms developed to predict the effect of missense changes on protein structure and function are either unavailable or do not agree on the potential impact of this missense change. The variant was absent in 251388 control chromosomes. c.874G>A has been observed in individual(s) affected with Biotinidase Deficiency (example: Wolf_2002). These data do not allow any conclusion about variant significance. A different variant affecting this codon has been determined to be pathogenic (c.875G>A, p.Gly292Asp). The following publication has been ascertained in the context of this evaluation (PMID: 12359137). ClinVar contains an entry for this variant (Variation ID: 25054). Based on the evidence outlined above, the variant was classified as likely pathogenic.

Counsyl
Classification: Uncertain significance for Biotinidase deficiency. Last evaluated: 2017-09-26. Review status: no assertion criteria provided. Collection method: clinical testing. Allele origin: unknown. Not counted in ClinVar's aggregate classification.

Literature cited by the submitters: PubMed 12359137 (cited by Women's Health and Genetics/Laboratory Corporation of America, LabCorp and Counsyl).

NM_001370658.1(BTD):c.874G>A (p.Gly292Ser)

Gene: BTD (biotinidase; plus strand). Cytogenetic location: 3p25.1.
Variant type: single nucleotide variant.
Coding change: c.874G>A on transcript NM_001370658.1 (MANE Select); coding-DNA position 874, G replaced by A.
Protein change: p.Gly292Ser; replaces glycine 292 with serine.
Molecular consequence: missense variant. On other transcripts: intron variant (1).
Genome position (GRCh38, 1-based): chr3:15,644,790, G>A. VCF-style: chr3-15644790-G-A. GRCh37 (hg19) VCF-style: chr3-15686297-G-A.
Other names: c.934G>A, p.Gly312Ser (NM_000060.4); c.874G>A, p.Gly292Ser (NM_001281723.4, NM_001281724.3, NM_001281725.3 and 18 more transcripts); c.399+2733G>A (NM_001370753.1); short protein forms G292S.
Identifiers: ClinVar variation 25054 (VCV000025054.5), dbSNP rs397514396, ClinGen allele CA278283.